The following is an entry in ClinVar:

ClinVar aggregate classification (germline): Uncertain significance. Review status: criteria provided, multiple submitters, no conflicts (2 of 4 stars). 2 submissions from 2 submitters: Uncertain significance (2). Last evaluated 2025-05-18.

Conditions:
Inborn genetic diseases. Identifiers: MedGen C0950123, MeSH D030342.

gnomAD v4.1: 5 of 1,608,798 alleles (0.00031%); highest among the groups gnomAD compares: Non-Finnish European, 0.00042%; no homozygotes.

Submissions (2):

Labcorp Genetics (formerly Invitae), Labcorp
Classification: Uncertain significance. Last evaluated: 2025-05-18. Review status: criteria provided, single submitter. Criteria: Invitae Variant Classification Sherloc (09022015). Collection method: clinical testing. Allele origin: germline.
Comment: This sequence change replaces proline, which is neutral and non-polar, with alanine, which is neutral and non-polar, at codon 2821 of the SRCAP protein (p.Pro2821Ala). This variant is not present in population databases (gnomAD no frequency). This missense change has been observed in individual(s) with clinical features of SRCAP-related conditions (internal data). ClinVar contains an entry for this variant (Variation ID: 3801251). Invitae Evidence Modeling of protein sequence and biophysical properties (such as structural, functional, and spatial information, amino acid conservation, physicochemical variation, residue mobility, and thermodynamic stability) indicates that this missense variant is not expected to disrupt SRCAP protein function with a negative predictive value of 80%. In summary, the available evidence is currently insufficient to determine the role of this variant in disease. Therefore, it has been classified as a Variant of Uncertain Significance.

Ambry Genetics
Classification: Uncertain significance for Inborn genetic diseases. Last evaluated: 2025-02-13. Review status: criteria provided, single submitter. Criteria: Ambry Variant Classification Scheme 2023. Collection method: clinical testing. Allele origin: germline.

NM_006662.3(SRCAP):c.8461C>G (p.Pro2821Ala)

Gene: SRCAP (Snf2 related CREBBP activator protein; plus strand). Cytogenetic location: 16p11.2.
Variant type: single nucleotide variant.
Coding change: c.8461C>G on transcript NM_006662.3 (MANE Select); coding-DNA position 8461, C replaced by G.
Protein change: p.Pro2821Ala; replaces proline 2821 with alanine.
Molecular consequence: missense variant.
Genome position (GRCh38, 1-based): chr16:30,738,501, C>G. VCF-style: chr16-30738501-C-G. GRCh37 (hg19) VCF-style: chr16-30749822-C-G.
Other names: short protein forms P2821A.
Identifiers: ClinVar variation 3801251 (VCV003801251.2).